The following is an entry in ClinVar:

ClinVar aggregate classification (germline): Pathogenic (1 of 4 stars; one submission).

Submission:

GeneDx
Classification: Pathogenic. Last evaluated: 2018-12-06. Review status: criteria provided, single submitter. Criteria: GeneDx Variant Classification (06012015). Collection method: clinical testing. Allele origin: germline. Affected: yes.
Comment: The c.125_129dupAAAGG variant in the ZC4H2 gene has not been reported previously as a pathogenic variant nor as a benign variant, to our knowledge. The c.125_129dupAAAGG variant causes a frameshift starting with codon Histidine 44, changes this amino acid to a Lysine residue, and creates a premature Stop codon at position 4 of the new reading frame, denoted p.His44LysfsX4. This variant is predicted to cause loss of normal protein function either through protein truncation or nonsense-mediated mRNA decay. The c.125_129dupAAAGG variant is not observed in large population cohorts (Lek et al., 2016). We interpret c.125_129dupAAAGG as a pathogenic variant.

NM_018684.4(ZC4H2):c.125_129dup (p.His44fs)

Gene: ZC4H2 (zinc finger C4H2-type containing; minus strand). Cytogenetic location: Xq11.2.
Variant type: Duplication.
Coding change: c.125_129dup on transcript NM_018684.4 (MANE Select); coding-DNA positions 125 to 129, 5 bases duplicated (AAAGG; older notation c.125_129dupAAAGG).
Protein change: p.His44fs; shifts the reading frame from histidine 44.
Molecular consequence: frameshift variant. On other transcripts: non-coding transcript variant (1).
Genome position (GRCh38, 1-based): chrX:64,921,913-64,921,917, CCTTT duplicated on the plus strand (AAAGG on the coding strand, the reverse complement: ZC4H2 is on the minus strand); duplicating any 5 consecutive bases within chrX:64,921,913-64,921,920 gives the same sequence; the c. name uses the placement nearest the transcript's 3' end. VCF-style (leftmost placement, unchanged base first): chrX-64921912-G-GCCTTT. GRCh37 (hg19) VCF-style: chrX-64141792-G-GCCTTT.
Other names: c.56_60dup, p.His21fs (NM_001178032.3, NM_001243804.2); c.125_129dup, p.His44fs (NM_001178033.3); short protein forms H21fs, H44fs.
Identifiers: ClinVar variation 817348 (VCV000817348.1), dbSNP rs1602382354, ClinGen allele CA915951234.